The following is an entry in ClinVar:

ClinVar aggregate classification (germline): Benign (1 of 4 stars; one submission).

Conditions:
Pseudohypoaldosteronism type 2B (PHA2B). Also called: Pseudohypoaldosteronism Type IIB. Identifiers: Orphanet 757, Orphanet 88939, MedGen C1840390, MONDO:0013777, OMIM 614491.

Allele frequency attached by ClinVar (database versions not stated): TOPMed below 0.00001; gnomAD 0.00002; gnomAD exomes 0.00006 and 0.00007; ExAC 0.00009.
gnomAD v4.1: 95 of 1,610,092 alleles (0.0059%); highest among the groups gnomAD compares: East Asian, 0.21%; 1 homozygote.

Submission:

Illumina Laboratory Services, Illumina
Classification: Benign for Pseudohypoaldosteronism type 2B. Last evaluated: 2018-01-13. Review status: criteria provided, single submitter. Criteria: ICSL Variant Classification Criteria 13 December 2019. Collection method: clinical testing. Allele origin: germline.
Comment: This variant was observed in the ICSL laboratory as part of a predisposition screen in an ostensibly healthy population. It had not been previously curated by ICSL or reported in the Human Gene Mutation Database (HGMD: prior to June 1st, 2018), and was therefore a candidate for classification through an automated scoring system. Utilizing variant allele frequency, disease prevalence and penetrance estimates, and inheritance mode, an automated score was calculated to assess if this variant is too frequent to cause the disease. Based on the score and internal cut-off values, a variant classified as benign is not then subjected to further curation. The score for this variant resulted in a classification of benign for this disease.

NM_032387.5(WNK4):c.1855C>T (p.Leu619=)

Gene: WNK4 (WNK lysine deficient protein kinase 4; plus strand). Cytogenetic location: 17q21.2.
Variant type: single nucleotide variant.
Coding change: c.1855C>T on transcript NM_032387.5 (MANE Select); coding-DNA position 1855, C replaced by T.
Protein change: p.Leu619=; no amino-acid change (leucine 619 retained).
Molecular consequence: synonymous variant.
Genome position (GRCh38, 1-based): chr17:42,787,891, C>T. VCF-style: chr17-42787891-C-T. GRCh37 (hg19) VCF-style: chr17-40939909-C-T.
Other names: c.847C>T, p.Leu283= (NM_001321299.2).
Identifiers: ClinVar variation 891576 (VCV000891576.4), dbSNP rs757047992, ClinGen allele CA8584112.